The following is an entry in ClinVar:

ClinVar aggregate classification (germline): Uncertain significance (1 of 4 stars; one submission).

gnomAD v4.1: 1 of 1,606,416 alleles (0.000062%); highest among the groups gnomAD compares: South Asian, 0.0011%; no homozygotes.

Submission:

Labcorp Genetics (formerly Invitae), Labcorp
Classification: Uncertain significance. Last evaluated: 2021-04-26. Review status: criteria provided, single submitter. Criteria: Invitae Variant Classification Sherloc (09022015). Collection method: clinical testing. Allele origin: germline.
Comment: In summary, the available evidence is currently insufficient to determine the role of this variant in disease. Therefore, it has been classified as a Variant of Uncertain Significance. Algorithms developed to predict the effect of missense changes on protein structure and function are either unavailable or do not agree on the potential impact of this missense change (SIFT: "Deleterious"; PolyPhen-2: "Possibly Damaging"; Align-GVGD: "Class C0"). This variant has not been reported in the literature in individuals with RINT1-related conditions. This variant is not present in population databases (ExAC no frequency). This sequence change replaces leucine with phenylalanine at codon 454 of the RINT1 protein (p.Leu454Phe). The leucine residue is highly conserved and there is a small physicochemical difference between leucine and phenylalanine.

NM_021930.6(RINT1):c.1360C>T (p.Leu454Phe)

Gene: RINT1 (RAD50 interactor 1; plus strand). Cytogenetic location: 7q22.3.
Variant type: single nucleotide variant.
Coding change: c.1360C>T on transcript NM_021930.6 (MANE Select); coding-DNA position 1360, C replaced by T.
Protein change: p.Leu454Phe; replaces leucine 454 with phenylalanine.
Molecular consequence: missense variant. On other transcripts: non-coding transcript variant (1).
Genome position (GRCh38, 1-based): chr7:105,551,596, C>T. VCF-style: chr7-105551596-C-T. GRCh37 (hg19) VCF-style: chr7-105192043-C-T.
Other names: c.1126C>T, p.Leu376Phe (NM_001346599.2); c.337C>T, p.Leu113Phe (NM_001346600.2, NM_001346603.2); c.436C>T, p.Leu146Phe (NM_001346601.2); short protein forms L454F, L146F, L113F, L376F.
Identifiers: ClinVar variation 1349016 (VCV001349016.8), dbSNP rs2133407190, ClinGen allele CA368809722.